The following is an entry in ClinVar:

NM_015474.4(SAMHD1):c.1154+4A>T

Gene: SAMHD1 (SAM and HD domain containing deoxynucleoside triphosphate triphosphohydrolase 1; minus strand). Cytogenetic location: 20q11.23.
Variant type: single nucleotide variant.
Coding change: c.1154+4A>T on transcript NM_015474.4 (MANE Select); 4 bases into the intron after coding-DNA position 1154, A replaced by T.
Molecular consequence: intron variant.
Genome position (GRCh38, 1-based): chr20:36,912,457, T>A on the plus strand (A>T on the coding strand, the complement: SAMHD1 is on the minus strand). VCF-style: chr20-36912457-T-A. GRCh37 (hg19) VCF-style: chr20-35540860-T-A.
Other names: c.1154+4A>T (NM_001363729.2, NM_001363733.2).
Identifiers: ClinVar variation 1998723 (VCV001998723.4), dbSNP rs2515237790, ClinGen allele CA2580098159.

ClinVar aggregate classification (germline): Uncertain significance (1 of 4 stars; one submission).

Conditions:
Aicardi-Goutieres syndrome 5. Identifiers: Orphanet 51, MedGen C2749659, MONDO:0013059, OMIM 612952.

Submission:

Labcorp Genetics (formerly Invitae), Labcorp
Classification: Uncertain significance for Aicardi-Goutieres syndrome 5. Last evaluated: 2022-09-27. Review status: criteria provided, single submitter. Criteria: Invitae Variant Classification Sherloc (09022015). Collection method: clinical testing. Allele origin: germline.
Comment: This sequence change falls in intron 10 of the SAMHD1 gene. It does not directly change the encoded amino acid sequence of the SAMHD1 protein. It affects a nucleotide within the consensus splice site. This variant is not present in population databases (gnomAD no frequency). This variant has not been reported in the literature in individuals affected with SAMHD1-related conditions. Variants that disrupt the consensus splice site are a relatively common cause of aberrant splicing (PMID: 17576681, 9536098). Algorithms developed to predict the effect of sequence changes on RNA splicing suggest that this variant may disrupt the consensus splice site. In summary, the available evidence is currently insufficient to determine the role of this variant in disease. Therefore, it has been classified as a Variant of Uncertain Significance.

Literature cited by the submitters: PubMed 17576681; PubMed 9536098.